The following is an entry in ClinVar:

ClinVar aggregate classification (germline): Uncertain significance (1 of 4 stars; one submission).

Conditions:
Ehlers-Danlos syndrome, classic type, 1 (EDSCL1). Also called: Ehlers-Danlos Syndrome, Classic Type, COL5A1-Related; EHLERS-DANLOS SYNDROME, GRAVIS TYPE; EHLERS-DANLOS SYNDROME, SEVERE CLASSIC TYPE; Ehlers-Danlos syndrome, type 1; EDS I. Identifiers: MedGen C0268335, MONDO:0019567, OMIM 130000.
Osteogenesis imperfecta type I (OI1). Also called: OI, TYPE I; OSTEOGENESIS IMPERFECTA TARDA; OSTEOGENESIS IMPERFECTA WITH BLUE SCLERAE; Osteogenesis imperfecta type 1; Classic Non-deforming Osteogenesis Imperfecta with Blue Sclerae; Lobstein's Disease. Identifiers: Orphanet 216796, Orphanet 666, MedGen C0023931, MONDO:0008146, OMIM 166200. Disease mechanism: loss of function.

Allele frequency attached by ClinVar (database versions not stated): TOPMed 0.00002; ExAC 0.00003; 1000 Genomes Project 0.00020; gnomAD 0.00001; 1000 Genomes Project 30x 0.00016.

Submission:

Labcorp Genetics (formerly Invitae), Labcorp
Classification: Uncertain significance for Osteogenesis imperfecta type I; Ehlers-Danlos syndrome, classic type, 1. Last evaluated: 2025-09-21. Review status: criteria provided, single submitter. Criteria: Invitae Variant Classification Sherloc (09022015). Collection method: clinical testing. Allele origin: germline.
Comment: This sequence change replaces glutamine, which is neutral and polar, with arginine, which is basic and polar, at codon 825 of the COL1A2 protein (p.Gln825Arg). This variant is present in population databases (rs556922843, gnomAD 0.01%). This variant has not been reported in the literature in individuals affected with COL1A2-related conditions. ClinVar contains an entry for this variant (Variation ID: 2188188). Invitae Evidence Modeling of protein sequence and biophysical properties (such as structural, functional, and spatial information, amino acid conservation, physicochemical variation, residue mobility, and thermodynamic stability) indicates that this missense variant is not expected to disrupt COL1A2 protein function with a negative predictive value of 95%. In summary, the available evidence is currently insufficient to determine the role of this variant in disease. Therefore, it has been classified as a Variant of Uncertain Significance.

NM_000089.4(COL1A2):c.2474A>G (p.Gln825Arg)

Gene: COL1A2 (collagen type I alpha 2 chain; plus strand). Cytogenetic location: 7q21.3.
Variant type: single nucleotide variant.
Coding change: c.2474A>G on transcript NM_000089.4 (MANE Select); coding-DNA position 2474, A replaced by G.
Protein change: p.Gln825Arg; replaces glutamine 825 with arginine.
Molecular consequence: missense variant.
Genome position (GRCh38, 1-based): chr7:94,423,027, A>G. VCF-style: chr7-94423027-A-G. GRCh37 (hg19) VCF-style: chr7-94052339-A-G.
Other names: short protein forms Q825R.
Identifiers: ClinVar variation 2188188 (VCV002188188.4), dbSNP rs556922843, ClinGen allele CA4347455.
Genomic context (GRCh38, chr7:94,423,027, plus strand): 5'-GCCCTCCTGGTCCCCCTGGTCCTGCTGGGAAAGAAGGGCTTCGTGGTCCTCGTGGTGACC[A>G]AGGTCCAGTTGGCCGAACTGGAGAAGTAGGTGCAGTTGGTCCCCCTGGCTTCGCTGGTGA-3'
Protein context (NP_000080.2, residues 815-835): KEGLRGPRGD[Gln825Arg]GPVGRTGEVG